The following is an entry in ClinVar:

NM_001849.4(COL6A2):c.839G>A (p.Gly280Asp)

Gene: COL6A2 (collagen type VI alpha 2 chain; plus strand). Cytogenetic location: 21q22.3.
Variant type: single nucleotide variant.
Coding change: c.839G>A on transcript NM_001849.4 (MANE Select); coding-DNA position 839, G replaced by A.
Protein change: p.Gly280Asp; replaces glycine 280 with aspartic acid.
Molecular consequence: missense variant.
Genome position (GRCh38, 1-based): chr21:46,115,909, G>A. VCF-style: chr21-46115909-G-A. GRCh37 (hg19) VCF-style: chr21-47535823-G-A.
Other names: c.839G>A, p.Gly280Asp (NM_058174.3, NM_058175.3); short protein forms G280D.
Identifiers: ClinVar variation 570492 (VCV000570492.10), dbSNP rs1568928804, ClinGen allele CA410524811.

ClinVar aggregate classification (germline): Pathogenic. Review status: criteria provided, multiple submitters, no conflicts (2 of 4 stars). 2 submissions from 2 submitters: Pathogenic (2). Last evaluated 2024-02-17.

Conditions:
Bethlem myopathy 1A. Also called: Bethlem myopathy 1; MYOPATHY, BENIGN CONGENITAL, WITH CONTRACTURES; Bethlem Muscular Dystrophy. Identifiers: Orphanet 610, MedGen CN029274, MONDO:0024530, OMIM 158810.

Submissions (2):

Labcorp Genetics (formerly Invitae), Labcorp
Classification: Pathogenic for Bethlem myopathy 1A. Last evaluated: 2024-02-17. Review status: criteria provided, single submitter. Criteria: Invitae Variant Classification Sherloc (09022015). Collection method: clinical testing. Allele origin: germline.
Comment: This sequence change replaces glycine, which is neutral and non-polar, with aspartic acid, which is acidic and polar, at codon 280 of the COL6A2 protein (p.Gly280Asp). This variant is not present in population databases (gnomAD no frequency). This missense change has been observed in individual(s) with clinical features of autosomal dominant COL6A2-related conditions (PMID: 34167565; Invitae). ClinVar contains an entry for this variant (Variation ID: 570492). Advanced modeling of protein sequence and biophysical properties (such as structural, functional, and spatial information, amino acid conservation, physicochemical variation, residue mobility, and thermodynamic stability) performed at Invitae indicates that this missense variant is expected to disrupt COL6A2 protein function with a positive predictive value of 80%. This variant disrupts the triple helix domain of COL6A2. Glycine residues within the Gly-Xaa-Yaa repeats of the triple helix domain are required for the structure and stability of fibrillar collagens (PMID: 7695699, 8218237, 19344236). In COL6A2, missense variants at these glycine residues are significantly enriched in individuals with autosomal dominant disease (PMID: 15689448, 24038877) compared to the general population (ExAC). For these reasons, this variant has been classified as Pathogenic.

3billion
Classification: Pathogenic for Bethlem myopathy 1A. Last evaluated: 2023-12-07. Review status: criteria provided, single submitter. Criteria: ACMG Guidelines, 2015. Collection method: clinical testing. Allele origin: germline. Affected: yes.
Comment: The variant is not observed in the gnomAD v2.1.1 dataset. Predicted Consequence/Location: Missense variant In silico tool predictions suggest damaging effect of the variant on gene or gene product [REVEL: 0.97 (>=0.6, sensitivity 0.68 and specificity 0.92); 3Cnet: 1.00 (>=0.6, sensitivity 0.72 and precision 0.9)]. Same nucleotide change resulting in same amino acid change has been previously reported to be associated with COL6A2-related disorder (ClinVar ID: VCV000570492 /PMID: 34167565). However, the evidence of pathogenicity is insufficient at this time. The variant has been previously reported as de novo in a similarly affected individual (PMID: 34167565). Different missense changes at the same codon (p.Gly280Ala, p.Gly280Arg, p.Gly280Ser, p.Gly280Val) have been reported as pathogenic/likely pathogenic with strong evidence (ClinVar ID: VCV000286150, VCV000502380, VCV002435801 /PMID: 27421963, 33146414, 34167565). Therefore, this variant is classified as Pathogenic according to the recommendation of ACMG/AMP guideline.

Literature cited by the submitters: PubMed 34167565 (cited by Labcorp Genetics (formerly Invitae), Labcorp and 3billion); PubMed 7695699 (cited by Labcorp Genetics (formerly Invitae), Labcorp); PubMed 8218237 (cited by Labcorp Genetics (formerly Invitae), Labcorp); PubMed 19344236 (cited by Labcorp Genetics (formerly Invitae), Labcorp); PubMed 15689448 (cited by Labcorp Genetics (formerly Invitae), Labcorp); PubMed 24038877 (cited by Labcorp Genetics (formerly Invitae), Labcorp); PubMed 27421963 (cited by 3billion).